The following is an entry in ClinVar:

NM_000539.3(RHO):c.45T>A (p.Asn15Lys)

Gene: RHO (rhodopsin; plus strand). Cytogenetic location: 3q22.1.
Variant type: single nucleotide variant.
Coding change: c.45T>A on transcript NM_000539.3 (MANE Select); coding-DNA position 45, T replaced by A.
Protein change: p.Asn15Lys; replaces asparagine 15 with lysine.
Molecular consequence: missense variant.
Genome position (GRCh38, 1-based): chr3:129,528,778, T>A. VCF-style: chr3-129528778-T-A. GRCh37 (hg19) VCF-style: chr3-129247621-T-A.
Other names: short protein forms N15K.
Identifiers: ClinVar variation 1067776 (VCV001067776.10), dbSNP rs1578278088, ClinGen allele CA354495336.

ClinVar aggregate classification (germline): Likely pathogenic. Review status: criteria provided, multiple submitters, no conflicts (2 of 4 stars). 2 submissions from 2 submitters: Likely pathogenic (2). Last evaluated 2022-04-05.

Conditions:
RHO-related disorder. Also called: RHO-related condition.

Submissions (2):

Blueprint Genetics
Classification: Likely pathogenic for RHO-related disorders. Last evaluated: 2022-04-05. Review status: criteria provided, single submitter. Criteria: ACMG Guidelines, 2015. Collection method: clinical testing. Allele origin: germline. Affected: yes. Observed: 2 variant alleles.

Labcorp Genetics (formerly Invitae), Labcorp
Classification: Likely pathogenic. Last evaluated: 2020-01-03. Review status: criteria provided, single submitter. Criteria: Invitae Variant Classification Sherloc (09022015). Collection method: clinical testing. Allele origin: germline.
Comment: In summary, the currently available evidence indicates that the variant is pathogenic, but additional data are needed to prove that conclusively. Therefore, this variant has been classified as Likely Pathogenic. This variant disrupts the p.Asn15 amino acid residue in RHO. Other variant(s) that disrupt this residue have been determined to be pathogenic (PMID: 9483582, 8353500, 31100078). This suggests that this residue is clinically significant, and that variants that disrupt this residue are likely to be disease-causing. Algorithms developed to predict the effect of sequence changes on RNA splicing suggest that this variant may create or strengthen a splice site, but this prediction has not been confirmed by published transcriptional studies. Algorithms developed to predict the effect of missense changes on protein structure and function are either unavailable or do not agree on the potential impact of this missense change (SIFT: "Deleterious"; PolyPhen-2: "Probably Damaging"; Align-GVGD: "Class C0"). This missense change has been observed in individual(s) with clinical features of autosomal dominant retinitis pigmentosa (PMID: 30538586, Invitae). This variant is not present in population databases (ExAC no frequency). This sequence change replaces asparagine with lysine at codon 15 of the RHO protein (p.Asn15Lys). The asparagine residue is highly conserved and there is a moderate physicochemical difference between asparagine and lysine.

Literature cited by the submitters: PubMed 9483582 (cited by Labcorp Genetics (formerly Invitae), Labcorp); PubMed 8353500 (cited by Labcorp Genetics (formerly Invitae), Labcorp); PubMed 31100078 (cited by Labcorp Genetics (formerly Invitae), Labcorp); PubMed 30538586 (cited by Labcorp Genetics (formerly Invitae), Labcorp).